The following is an entry in ClinVar:

ClinVar aggregate classification (germline): Benign (1 of 4 stars; one submission).

Conditions:
MELAS syndrome (MELAS). Also called: Juvenile myopathy, encephalopathy, lactic acidosis, stroke. Identifiers: Orphanet 550, MedGen C0162671, MONDO:0010789, OMIM 540000.

Submission:

Wong Mito Lab, Molecular and Human Genetics, Baylor College of Medicine
Classification: Benign for MELAS syndrome. Last evaluated: 2019-07-12. Review status: criteria provided, single submitter. Criteria: Modified ACMG Guidelines (Unpublished). Collection method: clinical testing. Allele origin: germline.
Comment: The NC_012920.1:m.15903A>G variant in MT-TT gene is interpreted to be a Benign variant based on the modified ACMG guidelines (unpublished). This variant meets the following evidence codes reported in the guidelines: BS1, BS2, BP4

Literature cited by the submitters: PubMed 31965079.

NC_012920.1(MT-TT):m.15903A>G

Gene: MT-TT (mitochondrially encoded tRNA threonine; plus strand).
Variant type: single nucleotide variant.
Genome position: chrM-15903-A-G.
Identifiers: ClinVar variation 690223 (VCV000690223.1), dbSNP rs1603225580, ClinGen allele CA913175164.